The following is an entry in ClinVar:

ClinVar aggregate classification (germline): Pathogenic/Likely pathogenic. Review status: criteria provided, multiple submitters, no conflicts (2 of 4 stars). 3 submissions from 3 submitters: Pathogenic (1); Likely pathogenic (2). Last evaluated 2025-09-28.

Conditions:
KATNIP-related disorders.
KATNIP-related disorder. Also called: KATNIP-related condition.

Allele frequency attached by ClinVar (database versions not stated): TOPMed below 0.00001; gnomAD 0.00002; gnomAD exomes 0.00003; ExAC 0.00005.
gnomAD v4.1: 50 of 1,611,920 alleles (0.0031%); highest among the groups gnomAD compares: South Asian, 0.054%; no homozygotes.

Submissions (3):

PreventionGenetics, part of Exact Sciences
Classification: Likely pathogenic for KATNIP-related condition. Last evaluated: 2025-09-28. Review status: criteria provided, single submitter. Criteria: ACMG Guidelines, 2015. Collection method: clinical testing. Allele origin: germline.
Comment: The KATNIP c.2788C>T variant is predicted to result in premature protein termination (p.Gln930*). To our knowledge, this variant has not been reported in the literature in individuals with KATNIP-associated disease. This variant is reported in 0.060% of alleles in individuals of South Asian descent in gnomAD. Nonsense variants in KATNIP are expected to be pathogenic for autosomal recessive Joubert syndrome. This variant is interpreted as likely pathogenic.

GeneDx
Classification: Pathogenic. Last evaluated: 2024-01-17. Review status: criteria provided, single submitter. Criteria: GeneDx Variant Classification Process June 2021. Collection method: clinical testing. Allele origin: germline. Affected: yes.
Comment: Reported in one affected individual out of a cohort of families with myelodysplastic syndrome/acute myeloid leukemia; however, it is not noted if this is a constitutional or somatic variant (PMID: 32098966); Nonsense variant predicted to result in protein truncation or nonsense mediated decay in a gene for which loss of function is a known mechanism of disease; This variant is associated with the following publications: (PMID: 32098966)

Blueprint Genetics
Classification: Likely pathogenic for KATNIP-related disorders. Last evaluated: 2022-03-28. Review status: criteria provided, single submitter. Criteria: ACMG Guidelines, 2015. Collection method: clinical testing. Allele origin: germline. Affected: yes. Observed: 5 variant alleles.

NM_015202.5(KATNIP):c.2788C>T (p.Gln930Ter)

Gene: KATNIP (katanin interacting protein; plus strand). Cytogenetic location: 16p12.1.
Variant type: single nucleotide variant.
Coding change: c.2788C>T on transcript NM_015202.5 (MANE Select); coding-DNA position 2788, C replaced by T.
Protein change: p.Gln930Ter; replaces glutamine 930 with a stop codon.
Molecular consequence: nonsense.
Genome position (GRCh38, 1-based): chr16:27,749,748, C>T. VCF-style: chr16-27749748-C-T. GRCh37 (hg19) VCF-style: chr16-27761069-C-T.
Other names: short protein forms Q930*.
Identifiers: ClinVar variation 2506723 (VCV002506723.5), dbSNP rs755989946, ClinGen allele CA7978062.